The following is an entry in ClinVar:

ClinVar aggregate classification (germline): Uncertain significance. Review status: criteria provided, multiple submitters, no conflicts (2 of 4 stars). 3 submissions from 3 submitters: Uncertain significance (2). 1 of the submissions does not count toward it. Last evaluated 2020-10-05.

Conditions:
Intellectual developmental disorder, X-linked, syndromic, Turner type. Also called: X-linked intellectual disability, Turner type; Intellectual disability, X-linked syndromic, Turner type. Identifiers: Orphanet 3056, Orphanet 85328, MedGen C2678046, MONDO:0010407, OMIM 309590.
Inborn genetic diseases. Identifiers: MedGen C0950123, MeSH D030342.
HUWE1-related disorder. Also called: HUWE1-related condition.

Submissions (3):

Ambry Genetics
Classification: Uncertain significance for Inborn genetic diseases. Last evaluated: 2020-10-05. Review status: criteria provided, single submitter. Criteria: Ambry Variant Classification Scheme 2023. Collection method: clinical testing. Allele origin: germline.
Comment: The c.11992C>T (p.R3998C) alteration is located in exon 77 (coding exon 74) of the HUWE1 gene. This alteration results from a C to T substitution at nucleotide position 11992, causing the arginine (R) at amino acid position 3998 to be replaced by a cysteine (C). Based on data from the Genome Aggregation Database (gnomAD), the HUWE1 c.11992C>T alteration was not observed, with coverage at this position. The p.R3998 amino acid is conserved in available vertebrate species. The p.R3998C alteration is predicted to be deleterious by in silico analysis. Additionally, this missense alteration is located in a region that has a low rate of benign missense variation (Lek, 2016; Firth, 2009). Based on insufficient or conflicting evidence, the clinical significance of this alteration remains unclear.

Juno Genomics, Hangzhou Juno Genomics, Inc
Classification: Uncertain significance for Intellectual developmental disorder, X-linked, syndromic, Turner type. Review status: criteria provided, single submitter. Criteria: ACMG Guidelines, 2015. Collection method: clinical testing. Allele origin: germline. Affected: yes.
Comment: Absent from controls (or at extremely low frequency if recessive) in Genome Aggregation Database.;Multiple lines of computational evidence support a deleterious effect on the gene or gene product.;Located in a mutational hot spot and/or critical and well-established functional domain without benign variation.

PreventionGenetics, part of Exact Sciences
Classification: Uncertain significance for HUWE1-related condition. Last evaluated: 2024-03-06. Review status: no assertion criteria provided. Collection method: clinical testing. Allele origin: germline. Not counted in ClinVar's aggregate classification.
Comment: The HUWE1 c.11992C>T variant is predicted to result in the amino acid substitution p.Arg3998Cys. To our knowledge, this variant has not been reported in the literature or in a large population database, indicating this variant is rare. At this time, the clinical significance of this variant is uncertain due to the absence of conclusive functional and genetic evidence.

NM_031407.7(HUWE1):c.11992C>T (p.Arg3998Cys)

Gene: HUWE1 (HECT, UBA and WWE domain containing E3 ubiquitin protein ligase 1; minus strand). Cytogenetic location: Xp11.22.
Variant type: single nucleotide variant.
Coding change: c.11992C>T on transcript NM_031407.7 (MANE Select); coding-DNA position 11992, C replaced by T.
Protein change: p.Arg3998Cys; replaces arginine 3998 with cysteine.
Molecular consequence: missense variant.
Genome position (GRCh38, 1-based): chrX:53,538,341, G>A on the plus strand (C>T on the coding strand, the complement: HUWE1 is on the minus strand). VCF-style: chrX-53538341-G-A. GRCh37 (hg19) VCF-style: chrX-53565302-G-A.
Other names: c.11992C>T (NM_031407.6); short protein forms R3998C.
Identifiers: ClinVar variation 2227822 (VCV002227822.4), dbSNP rs2061160241, ClinGen allele CA413156516.
Genomic context (GRCh38, chrX:53,538,341, plus strand): 5'-TTACCATTTGGGGAGTTCTCACCACCCCTCTACCCCCCAATATCCAGGACACATACTTGC[G>A]CTTGACATCAAAGTCGAGGACACGAATGTAGTCTACCAGGACAGCAAAAGGCCCATCAGC-3'
Protein context (NP_113584.3, residues 3988-4008): YIRVLDFDVK[Arg3998Cys]KYFRQELERL